The following is an entry in ClinVar:

ClinVar aggregate classification (germline): Likely benign (1 of 4 stars; one submission).

Conditions:
Oligodontia-cancer predisposition syndrome. Also called: TOOTH AGENESIS-COLORECTAL CANCER SYNDROME. Identifiers: Orphanet 300576, MedGen C1837750, MONDO:0012075, OMIM 608615. Disease mechanism: loss of function.

Submission:

Myriad Genetics, Inc.
Classification: Likely benign for Oligodontia-cancer predisposition syndrome. Last evaluated: 2024-07-11. Review status: criteria provided, single submitter. Criteria: Myriad Autosomal Dominant, Autosomal Recessive and X-Linked Classification Criteria (2023). Collection method: clinical testing. Allele origin: unknown.
Comment: This variant is considered likely benign. This variant is intronic and is not expected to impact mRNA splicing.

NM_004655.4(AXIN2):c.2406-4dup

Gene: AXIN2 (axin 2; minus strand). Cytogenetic location: 17q24.1.
Variant type: Duplication.
Coding change: c.2406-4dup on transcript NM_004655.4 (MANE Select); 4 bases into the intron before coding-DNA position 2406, one base duplicated (T; older notation c.2406-4dupT).
Molecular consequence: intron variant.
Genome position (GRCh38, 1-based): chr17:65,530,106, A duplicated on the plus strand (T on the coding strand, the reverse complement: AXIN2 is on the minus strand); the first of 4 consecutive A bases (chr17:65,530,106-65,530,109); duplicating any one gives the same sequence. VCF-style (leftmost placement, unchanged base first): chr17-65530105-T-TA. GRCh37 (hg19) VCF-style: chr17-63526223-T-TA.
Other names: c.2211-4dup (NM_001363813.1).
Identifiers: ClinVar variation 3379177 (VCV003379177.1).